The following is an entry in ClinVar:

ClinVar aggregate classification (germline): Likely pathogenic. Review status: criteria provided, multiple submitters, no conflicts (2 of 4 stars). 3 submissions from 3 submitters: Likely pathogenic (3). Last evaluated 2024-04-16.

Conditions:
Cardiovascular phenotype. Identifiers: MedGen CN230736.
Dilated cardiomyopathy 1G (CMD1G). Identifiers: Orphanet 154, MedGen C1858763, MONDO:0011400, OMIM 604145.
Autosomal recessive limb-girdle muscular dystrophy type 2J (LGMDR10). Also called: Limb-girdle muscular dystrophy, type 2J; MUSCULAR DYSTROPHY, LIMB-GIRDLE, AUTOSOMAL RECESSIVE 10. Identifiers: Orphanet 140922, MedGen C1837342, MONDO:0012127, OMIM 608807.

Submissions (3):

Women's Health and Genetics/Laboratory Corporation of America, LabCorp
Classification: Likely pathogenic for Autosomal recessive limb-girdle muscular dystrophy type 2J. Last evaluated: 2024-04-16. Review status: criteria provided, single submitter. Criteria: LabCorp Variant Classification Summary - May 2015. Collection method: clinical testing. Allele origin: germline.
Comment: Variant summary: TTN c.96054_96055delAG (p.Arg32018SerfsX32) results in a premature termination codon, predicted to cause a truncation of the encoded protein or absence of the protein due to nonsense mediated decay, which are commonly known mechanisms for disease. Nonsense, frameshift, and canonical splice-site variants in TTN are strongly associated with DCM when they affect exons encoding for the A-band region (PMIDs: 22335739, 24503780) and/or exons constitutively expressed (proportion spliced in [PSI]>0.9) in the primary cardiac isoforms (PMIDs: 25589632, 31216868, 32964742, 27869827), which is the case forthis variant (M band with a PSI score of 100%). The variant was absent in 248848 control chromosomes. To our knowledge, no occurrence of c.96054_96055delAG in individuals affected with Limb-Girdle Muscular Dystrophy, Type 2J and no experimental evidence demonstrating its impact on protein function have been reported. ClinVar contains an entry for this variant (Variation ID: 1031603). Based on the evidence outlined above, the variant was classified as likely pathogenic.

Labcorp Genetics (formerly Invitae), Labcorp
Classification: Likely pathogenic for Dilated cardiomyopathy 1G; Autosomal recessive limb-girdle muscular dystrophy type 2J. Last evaluated: 2023-12-06. Review status: criteria provided, single submitter. Criteria: Invitae Variant Classification Sherloc (09022015). Collection method: clinical testing. Allele origin: germline.
Comment: This sequence change creates a premature translational stop signal (p.Arg34586Serfs*32) in the TTN gene. While this is not anticipated to result in nonsense mediated decay, it is expected to create a truncated TTN protein. This variant is not present in population databases (gnomAD no frequency). This variant has not been reported in the literature in individuals affected with TTN-related conditions. ClinVar contains an entry for this variant (Variation ID: 1031603). This variant is located in the M band of TTN (PMID: 25589632). Truncating variants in this region have been previously reported in individuals affected with autosomal recessive myopathy and muscular dystrophy (PMID: 18948003, 23975875, 24395473). Truncating variants in this region have also been identified in individuals affected with autosomal dominant dilated cardiomyopathy and/or cardio-related conditions (PMID: 27869827, 32964742). In summary, the currently available evidence indicates that the variant is pathogenic, but additional data are needed to prove that conclusively. Therefore, this variant has been classified as Likely Pathogenic.

Ambry Genetics
Classification: Likely pathogenic for Cardiovascular phenotype. Last evaluated: 2021-12-20. Review status: criteria provided, single submitter. Criteria: Ambry Variant Classification Scheme 2023. Collection method: clinical testing. Allele origin: germline.
Comment: The c.76563_76564delAG variant, located in coding exon 185 of the TTN gene, results from a deletion of two nucleotides at nucleotide positions 76563 to 76564, causing a translational frameshift with a predicted alternate stop codon (p.R25521Sfs*32). This exon is located in the M-band region of the N2-B isoform of the titin protein and is constitutively expressed in TTN transcripts (percent spliced in or PSI 100%). This alteration is expected to result in loss of function by premature protein truncation or nonsense-mediated mRNA decay. While truncating variants in TTN are present in 1-3% of the general population, truncating variants in the M-band have been reported in association with autosomal recessive titinopathies, primarily presenting with skeletal myopathy phenotypes (Ceyhan-Birsoy O et al. Neurology. 2013 Oct 1;81(14):1205-14; De Cid R et al. Neurology. 2015;85(24):2126-35). In addition, regardless of their position, TTN truncating variants encoded in constitutive exons (PSI >90%) have been found to be significantly associated with dilated cardiomyopathy (DCM), though truncating variants in the A-band are the most common cause of DCM (Herman DS et al. N. Engl. J. Med., 2012 Feb;366:619-28; Roberts AM et al. Sci Transl Med, 2015 Jan;7:270ra6; Schafer S et al. Nat. Genet., 2017 01;49:46-53). Based on the majority of available evidence to date, this variant is likely to be pathogenic in association with autosomal recessive titinopathy; however, the clinical significance of this alteration with respect to cardiomyopathy remains unclear.

Literature cited by the submitters: PubMed 25589632 (cited by Labcorp Genetics (formerly Invitae), Labcorp); PubMed 18948003 (cited by Labcorp Genetics (formerly Invitae), Labcorp); PubMed 23975875 (cited by Labcorp Genetics (formerly Invitae), Labcorp); PubMed 24395473 (cited by Labcorp Genetics (formerly Invitae), Labcorp); PubMed 27869827 (cited by Labcorp Genetics (formerly Invitae), Labcorp); PubMed 32964742 (cited by Labcorp Genetics (formerly Invitae), Labcorp).

NM_001267550.2(TTN):c.103758_103759del (p.Arg34586fs)

Genes: TTN (titin; minus strand), TTN-AS1 (TTN antisense RNA 1; plus strand). Cytogenetic location: 2q31.2.
Variant type: Microsatellite.
Coding change: c.103758_103759del on transcript NM_001267550.2 (MANE Select); coding-DNA positions 103758 to 103759, 2 bases deleted (AG; older notation c.103758_103759delAG).
Protein change: p.Arg34586fs; shifts the reading frame from arginine 34586.
Molecular consequence: frameshift variant.
Genome position (GRCh38, 1-based): chr2:178,532,856-178,532,857, CT deleted on the plus strand (AG on the coding strand, the reverse complement: TTN is on the minus strand); deleting any 2 consecutive bases within chr2:178,532,856-178,532,859 gives the same sequence; the c. name uses the placement nearest the transcript's 3' end. VCF-style (leftmost placement, unchanged base first): chr2-178532855-ACT-A. GRCh37 (hg19) VCF-style: chr2-179397582-ACT-A.
Other names: c.76563_76564delAG (NM_003319.4); c.98835_98836del, p.Arg32945fs (NM_001256850.1); c.76563_76564del, p.Arg25521fs (NM_003319.4); c.96054_96055del, p.Arg32018fs (NM_133378.4); c.76938_76939del, p.Arg25646fs (NM_133432.3); c.77139_77140del, p.Arg25713fs (NM_133437.4); short protein forms R25521fs, R25713fs, R32945fs, R25646fs, R34586fs, R32018fs.
Identifiers: ClinVar variation 1031603 (VCV001031603.11), dbSNP rs1689777278, ClinGen allele CA430236719.